The following is an entry in ClinVar:

ClinVar aggregate classification (germline): Uncertain significance (1 of 4 stars; one submission).

Submission:

Labcorp Genetics (formerly Invitae), Labcorp
Classification: Uncertain significance. Last evaluated: 2024-10-07. Review status: criteria provided, single submitter. Criteria: Invitae Variant Classification Sherloc (09022015). Collection method: clinical testing. Allele origin: germline.
Comment: This sequence change replaces cysteine, which is neutral and slightly polar, with tyrosine, which is neutral and polar, at codon 265 of the PISD protein (p.Cys265Tyr). This variant is not present in population databases (gnomAD no frequency). This variant has not been reported in the literature in individuals affected with PISD-related conditions. Invitae Evidence Modeling of protein sequence and biophysical properties (such as structural, functional, and spatial information, amino acid conservation, physicochemical variation, residue mobility, and thermodynamic stability) indicates that this missense variant is not expected to disrupt PISD protein function with a negative predictive value of 80%. In summary, the available evidence is currently insufficient to determine the role of this variant in disease. Therefore, it has been classified as a Variant of Uncertain Significance.

NM_001326411.2(PISD):c.794G>A (p.Cys265Tyr)

Gene: PISD (phosphatidylserine decarboxylase; minus strand). Cytogenetic location: 22q12.2.
Variant type: single nucleotide variant.
Coding change: c.794G>A on transcript NM_001326411.2 (MANE Select); coding-DNA position 794, G replaced by A.
Protein change: p.Cys265Tyr; replaces cysteine 265 with tyrosine.
Molecular consequence: missense variant.
Genome position (GRCh38, 1-based): chr22:31,621,046, C>T on the plus strand (G>A on the coding strand, the complement: PISD is on the minus strand). VCF-style: chr22-31621046-C-T. GRCh37 (hg19) VCF-style: chr22-32017032-C-T.
Other names: c.731G>A, p.Cys244Tyr (NM_001326412.1, NM_001326413.2, NM_001326414.2); c.692G>A, p.Cys231Tyr (NM_001326415.2, NM_001326416.2, NM_001326417.2 and 3 more transcripts); c.614G>A, p.Cys205Tyr (NM_001326418.2, NM_001326420.2); c.794G>A, p.Cys265Tyr (NM_001326421.1); short protein forms C244Y, C265Y, C205Y, C231Y.
Identifiers: ClinVar variation 3684803 (VCV003684803.2).